The following is an entry in ClinVar:

NM_001146312.3(MYOCD):c.2689G>C (p.Asp897His)

Genes: ARHGAP44-AS1 (ARHGAP44 and MYOCD antisense RNA 1; minus strand), MYOCD (myocardin; plus strand). Cytogenetic location: 17p12.
Variant type: single nucleotide variant.
Coding change: c.2689G>C on transcript NM_001146312.3 (MANE Select); coding-DNA position 2689, G replaced by C.
Protein change: p.Asp897His; replaces aspartic acid 897 with histidine.
Molecular consequence: missense variant. On other transcripts: non-coding transcript variant (1).
Genome position (GRCh38, 1-based): chr17:12,763,372, G>C. VCF-style: chr17-12763372-G-C. GRCh37 (hg19) VCF-style: chr17-12666689-G-C.
Other names: c.2452G>C, p.Asp818His (NM_001378306.1); c.2545G>C, p.Asp849His (NM_153604.4); c.2689G>C (NM_001146312.2); short protein forms D849H, D818H, D897H.
Identifiers: ClinVar variation 2393418 (VCV002393418.3), dbSNP rs772264210, ClinGen allele CA8399942.
Genomic context (GRCh38, chr17:12,763,372, plus strand): 5'-GGGAGCGAAGAGCCTCACTTTGATGGGATAATGGATGGATTCTCTGGGAAGGCTGCAGAA[G>C]ACCTCTTCAATGCACATGAGATCTTGCCAGGCCCCCTCTCTCCAATGCAGACACAGTTTT-3'
Protein context (NP_001139784.1, residues 887-907): MDGFSGKAAE[Asp897His]LFNAHEILPG

ClinVar aggregate classification (germline): Uncertain significance. Review status: criteria provided, multiple submitters, no conflicts (2 of 4 stars). 2 submissions from 2 submitters: Uncertain significance (2). Last evaluated 2022-10-18.

Allele frequency attached by ClinVar (database versions not stated): gnomAD exomes 0.00002; ExAC 0.00003; TOPMed 0.00003.
gnomAD v4.1: 13 of 1,599,278 alleles (0.00081%); highest among the groups gnomAD compares: Admixed American, 0.022%; no homozygotes.

Submissions (2):

GeneDx
Classification: Uncertain significance. Last evaluated: 2022-10-18. Review status: criteria provided, single submitter. Criteria: GeneDx Variant Classification Process June 2021. Collection method: clinical testing. Allele origin: germline. Affected: yes.
Comment: In silico analysis supports that this missense variant has a deleterious effect on protein structure/function; Has not been previously published as pathogenic or benign to our knowledge; Variants in candidate genes are classified as variants of uncertain significance in accordance with ACMG guidelines (Richards et al., 2015)

Ambry Genetics
Classification: Uncertain significance. Last evaluated: 2021-12-03. Review status: criteria provided, single submitter. Criteria: Ambry Variant Classification Scheme 2023. Collection method: clinical testing. Allele origin: germline.